The following is an entry in ClinVar:

NM_000222.3(KIT):c.1985T>C (p.Ile662Thr)

Gene: KIT (KIT proto-oncogene, receptor tyrosine kinase; plus strand). Cytogenetic location: 4q12.
Variant type: single nucleotide variant.
Coding change: c.1985T>C on transcript NM_000222.3 (MANE Select); coding-DNA position 1985, T replaced by C.
Protein change: p.Ile662Thr; replaces isoleucine 662 with threonine.
Molecular consequence: missense variant.
Genome position (GRCh38, 1-based): chr4:54,728,116, T>C. VCF-style: chr4-54728116-T-C. GRCh37 (hg19) VCF-style: chr4-55594282-T-C.
Other names: c.1973T>C, p.Ile658Thr (NM_001093772.2, NM_001385286.1); c.1988T>C, p.Ile663Thr (NM_001385284.1, NM_001385290.1); c.1985T>C, p.Ile662Thr (NM_001385285.1); c.1976T>C, p.Ile659Thr (NM_001385288.1, NM_001385292.1); short protein forms I662T, I663T, I659T, I658T.
Identifiers: ClinVar variation 1392362 (VCV001392362.11), dbSNP rs1199902129, ClinGen allele CA356908796.

ClinVar aggregate classification (germline): Uncertain significance. Review status: criteria provided, multiple submitters, no conflicts (2 of 4 stars). 2 submissions from 2 submitters: Uncertain significance (2). Last evaluated 2025-07-10.

Conditions:
Hereditary cancer-predisposing syndrome. Also called: Tumor predisposition; Hereditary Cancer Syndrome; Hereditary neoplastic syndrome; Neoplastic Syndromes, Hereditary. Identifiers: Orphanet 140162, MedGen C0027672, MeSH D009386, MONDO:0015356.
Gastrointestinal stromal tumor. Also called: Gastrointestinal stroma tumor; Gastrointestinal stromal tumor, somatic. Identifiers: Orphanet 44890, MedGen C0238198, MeSH D046152, MONDO:0011719, OMIM 606764, HP:0100723.

Allele frequency attached by ClinVar (database versions not stated): gnomAD exomes below 0.00001; gnomAD 0.00001.
gnomAD v4.1: 4 of 1,608,536 alleles (0.00025%); highest among the groups gnomAD compares: Middle Eastern, 0.016%; no homozygotes.

Submissions (2):

Ambry Genetics
Classification: Uncertain significance for Hereditary cancer-predisposing syndrome. Last evaluated: 2025-07-10. Review status: criteria provided, single submitter. Criteria: Ambry Variant Classification Scheme 2023. Collection method: clinical testing. Allele origin: germline.
Comment: The p.I662T variant (also known as c.1985T>C), located in coding exon 13 of the KIT gene, results from a T to C substitution at nucleotide position 1985. The isoleucine at codon 662 is replaced by threonine, an amino acid with similar properties. This amino acid position is conserved. In addition, this alteration is predicted to be tolerated by in silico analysis. Since supporting evidence is limited at this time, the clinical significance of this alteration remains unclear.

Labcorp Genetics (formerly Invitae), Labcorp
Classification: Uncertain significance for Gastrointestinal stromal tumor. Last evaluated: 2021-08-03. Review status: criteria provided, single submitter. Criteria: Invitae Variant Classification Sherloc (09022015). Collection method: clinical testing. Allele origin: germline.
Comment: This sequence change replaces isoleucine with threonine at codon 662 of the KIT protein (p.Ile662Thr). The isoleucine residue is weakly conserved and there is a moderate physicochemical difference between isoleucine and threonine. This variant is not present in population databases (ExAC no frequency). This variant has not been reported in the literature in individuals affected with KIT-related conditions. Algorithms developed to predict the effect of missense changes on protein structure and function (SIFT, PolyPhen-2, Align-GVGD) all suggest that this variant is likely to be disruptive. In summary, the available evidence is currently insufficient to determine the role of this variant in disease. Therefore, it has been classified as a Variant of Uncertain Significance.